The following is an entry in ClinVar:

ClinVar aggregate classification (germline): Conflicting classifications of pathogenicity. Review status: criteria provided, conflicting classifications (1 of 4 stars). 2 submissions from 2 submitters: Uncertain significance (1); Likely benign (1). Last evaluated 2025-05-20.

Conditions:
Inborn genetic diseases. Identifiers: MedGen C0950123, MeSH D030342.

Allele frequency attached by ClinVar (database versions not stated): TOPMed 0.00003; gnomAD exomes 0.00001; gnomAD 0.00003.
gnomAD v4.1: 25 of 1,611,434 alleles (0.0016%); highest among the groups gnomAD compares: East Asian, 0.0022%; no homozygotes.

Submissions (2):

Ambry Genetics
Classification: Likely benign for Inborn genetic diseases. Last evaluated: 2025-05-20. Review status: criteria provided, single submitter. Criteria: Ambry Variant Classification Scheme 2023. Collection method: clinical testing. Allele origin: germline.

Labcorp Genetics (formerly Invitae), Labcorp
Classification: Uncertain significance. Last evaluated: 2022-03-09. Review status: criteria provided, single submitter. Criteria: Invitae Variant Classification Sherloc (09022015). Collection method: clinical testing. Allele origin: germline.
Comment: This sequence change replaces arginine, which is basic and polar, with glutamine, which is neutral and polar, at codon 303 of the NDUFAF6 protein (p.Arg303Gln). This variant is present in population databases (no rsID available, gnomAD 0.003%). This variant has not been reported in the literature in individuals affected with NDUFAF6-related conditions. Algorithms developed to predict the effect of missense changes on protein structure and function output the following: SIFT: "Tolerated"; PolyPhen-2: "Benign"; Align-GVGD: "Class C0". The glutamine amino acid residue is found in multiple mammalian species, which suggests that this missense change does not adversely affect protein function. In summary, the available evidence is currently insufficient to determine the role of this variant in disease. Therefore, it has been classified as a Variant of Uncertain Significance.

NM_152416.4(NDUFAF6):c.908G>A (p.Arg303Gln)

Gene: NDUFAF6 (NADH:ubiquinone oxidoreductase complex assembly factor 6; plus strand). Cytogenetic location: 8q22.1.
Variant type: single nucleotide variant.
Coding change: c.908G>A on transcript NM_152416.4 (MANE Select); coding-DNA position 908, G replaced by A.
Protein change: p.Arg303Gln; replaces arginine 303 with glutamine.
Molecular consequence: missense variant. On other transcripts: non-coding transcript variant (3), intron variant (1).
Genome position (GRCh38, 1-based): chr8:95,057,843, G>A. VCF-style: chr8-95057843-G-A. GRCh37 (hg19) VCF-style: chr8-96070071-G-A.
Other names: c.632G>A, p.Arg211Gln (NM_001330582.2, NM_001354514.2, NM_001354515.2); c.752G>A, p.Arg251Gln (NM_001354516.2); c.575G>A, p.Arg192Gln (NM_001354517.2, NM_001354518.2, NM_001354519.2 and 1 more transcripts); c.452G>A, p.Arg151Gln (NM_001354522.2, NM_001354524.2, NM_001354525.2 and 7 more transcripts); c.483+9285G>A (NM_001354534.2); c.908G>A (NM_152416.2); short protein forms R192Q, R251Q, R303Q, R151Q, R211Q.
Identifiers: ClinVar variation 1942383 (VCV001942383.3), dbSNP rs1392002240, ClinGen allele CA371747823.